The following is an entry in ClinVar:

NM_002617.4(PEX10):c.163G>A (p.Val55Met)

Gene: PEX10 (peroxisomal biogenesis factor 10; minus strand). Cytogenetic location: 1p36.32.
Variant type: single nucleotide variant.
Coding change: c.163G>A on transcript NM_002617.4 (MANE Select); coding-DNA position 163, G replaced by A.
Protein change: p.Val55Met; replaces valine 55 with methionine.
Molecular consequence: missense variant. On other transcripts: 5 prime UTR variant (2), non-coding transcript variant (1).
Genome position (GRCh38, 1-based): chr1:2,410,401, C>T on the plus strand (G>A on the coding strand, the complement: PEX10 is on the minus strand). VCF-style: chr1-2410401-C-T. GRCh37 (hg19) VCF-style: chr1-2341840-C-T.
Other names: c.163G>A, p.Val55Met (NM_001374425.1, NM_153818.2); c.-270G>A (NM_001374426.1, NM_001374427.1); c.163G>A (NM_153818.1); short protein forms V55M.
Identifiers: ClinVar variation 2415546 (VCV002415546.4), dbSNP rs1254662517, ClinGen allele CA337989355.

ClinVar aggregate classification (germline): Uncertain significance. Review status: criteria provided, multiple submitters, no conflicts (2 of 4 stars). 2 submissions from 2 submitters: Uncertain significance (2). Last evaluated 2025-08-27.

Conditions:
Peroxisome biogenesis disorder, complementation group 7 (CG7). Also called: Peroxisome biogenesis disorder, complementation group B. Identifiers: MedGen C1864399.
Inborn genetic diseases. Identifiers: MedGen C0950123, MeSH D030342.

Allele frequency attached by ClinVar (database versions not stated): gnomAD exomes below 0.00001; TOPMed below 0.00001; gnomAD 0.00001.
gnomAD v4.1: 6 of 1,614,026 alleles (0.00037%); highest among the groups gnomAD compares: Middle Eastern, 0.033%; no homozygotes.

Submissions (2):

Ambry Genetics
Classification: Uncertain significance for Inborn genetic diseases. Last evaluated: 2025-08-27. Review status: criteria provided, single submitter. Criteria: Ambry Variant Classification Scheme 2023. Collection method: clinical testing. Allele origin: germline.

Labcorp Genetics (formerly Invitae), Labcorp
Classification: Uncertain significance for Peroxisome biogenesis disorder, complementation group 7. Last evaluated: 2022-11-01. Review status: criteria provided, single submitter. Criteria: Invitae Variant Classification Sherloc (09022015). Collection method: clinical testing. Allele origin: germline.
Comment: This sequence change replaces valine, which is neutral and non-polar, with methionine, which is neutral and non-polar, at codon 55 of the PEX10 protein (p.Val55Met). This variant is present in population databases (no rsID available, gnomAD 0.006%). This variant has not been reported in the literature in individuals affected with PEX10-related conditions. Algorithms developed to predict the effect of missense changes on protein structure and function are either unavailable or do not agree on the potential impact of this missense change (SIFT: "Deleterious"; PolyPhen-2: "Possibly Damaging"; Align-GVGD: "Class C0"). In summary, the available evidence is currently insufficient to determine the role of this variant in disease. Therefore, it has been classified as a Variant of Uncertain Significance.